The following is an entry in ClinVar:

NM_002519.3(NPAT):c.1990T>A (p.Ser664Thr)

Gene: NPAT (nuclear protein, coactivator of histone transcription; minus strand). Cytogenetic location: 11q22.3.
Variant type: single nucleotide variant.
Coding change: c.1990T>A on transcript NM_002519.3 (MANE Select); coding-DNA position 1990, T replaced by A.
Protein change: p.Ser664Thr; replaces serine 664 with threonine.
Molecular consequence: missense variant.
Genome position (GRCh38, 1-based): chr11:108,172,994, A>T on the plus strand (T>A on the coding strand, the complement: NPAT is on the minus strand). VCF-style: chr11-108172994-A-T. GRCh37 (hg19) VCF-style: chr11-108043721-A-T.
Other names: c.1990T>A, p.Ser664Thr (NM_001321307.1); short protein forms S664T.
Identifiers: ClinVar variation 3300667 (VCV003300667.1).

ClinVar aggregate classification (germline): Uncertain significance (1 of 4 stars; one submission).

Submission:

Ambry Genetics
Classification: Uncertain significance. Last evaluated: 2024-04-18. Review status: criteria provided, single submitter. Criteria: Ambry Variant Classification Scheme 2023. Collection method: clinical testing. Allele origin: germline.
Comment: The p.S664T variant (also known as c.1990T>A), located in coding exon 13 of the NPAT gene, results from a T to A substitution at nucleotide position 1990. The serine at codon 664 is replaced by threonine, an amino acid with similar properties. This amino acid position is conserved. In addition, this alteration is predicted to be tolerated by in silico analysis. Based on the available evidence, the clinical significance of this variant remains unclear.